The following is an entry in ClinVar:

NM_001231.5(CASQ1):c.165G>T (p.Lys55Asn)

Gene: CASQ1 (calsequestrin 1; plus strand). Cytogenetic location: 1q23.2.
Variant type: single nucleotide variant.
Coding change: c.165G>T on transcript NM_001231.5 (MANE Select); coding-DNA position 165, G replaced by T.
Protein change: p.Lys55Asn; replaces lysine 55 with asparagine.
Molecular consequence: missense variant.
Genome position (GRCh38, 1-based): chr1:160,190,916, G>T. VCF-style: chr1-160190916-G-T. GRCh37 (hg19) VCF-style: chr1-160160706-G-T.
Other names: short protein forms K55N.
Identifiers: ClinVar variation 1302432 (VCV001302432.5), dbSNP rs753966210, ClinGen allele CA1196086.
Genomic context (GRCh38, chr1:160,190,916, plus strand): 5'-GGAAGGGCTGGACTTCCCTGAGTACGATGGTGTGGACCGTGTGATCAATGTCAATGCAAA[G>T]AACTACAAGAATGTGTTCAAGAAGTATGAGGTGCTGGCACTCCTCTACCATGAACCCCCC-3'
Protein context (NP_001222.3, residues 45-65): GVDRVINVNA[Lys55Asn]NYKNVFKKYE

ClinVar aggregate classification (germline): Uncertain significance. Review status: criteria provided, multiple submitters, no conflicts (2 of 4 stars). 2 submissions from 2 submitters: Uncertain significance (2). Last evaluated 2025-09-10.

Conditions:
Myopathy due to calsequestrin and SERCA1 protein overload. Also called: Myopathy, vacuolar, with casq1 aggregates. Identifiers: Orphanet 88635, MedGen C4015624, MONDO:0014546, OMIM 616231.

Allele frequency attached by ClinVar (database versions not stated): ExAC 0.00001; gnomAD exomes below 0.00001.
gnomAD v4.1: 6 of 1,614,176 alleles (0.00037%); highest among the groups gnomAD compares: Middle Eastern, 0.033%; no homozygotes.

Submissions (2):

Genomic Medicine Center of Excellence, King Faisal Specialist Hospital and Research Centre
Classification: Uncertain significance for Myopathy due to calsequestrin and SERCA1 protein overload. Last evaluated: 2025-09-10. Review status: criteria provided, single submitter. Criteria: ACMG Guidelines, 2015. Collection method: clinical testing. Allele origin: germline.

GeneDx
Classification: Uncertain significance. Last evaluated: 2023-08-01. Review status: criteria provided, single submitter. Criteria: GeneDx Variant Classification Process June 2021. Collection method: clinical testing. Allele origin: germline. Affected: yes.
Comment: In silico analysis supports that this missense variant has a deleterious effect on protein structure/function; Has not been previously published as pathogenic or benign to our knowledge